The following is an entry in ClinVar:

NC_000016.10:g.(89771815_89773270)_(89775816_89778800)del

Gene: FANCA (FA complementation group A; minus strand). Cytogenetic location: 16q24.3.
Variant type: Deletion.
Identifiers: ClinVar variation 974128 (VCV000974128.1).

ClinVar aggregate classification (germline): Pathogenic (0 of 4 stars; one submission).

Conditions:
Fanconi anemia complementation group A (FANCA). Also called: Fanconi anemia, group A; FANCA-Related Fanconi Anemia. Identifiers: Orphanet 84, MedGen C3469521, MONDO:0009215, OMIM 227650.

Submission:

Leiden Open Variation Database
Classification: Pathogenic for Fanconi anemia complementation group A. Last evaluated: 2020-02-28. Review status: no assertion criteria provided. Collection method: curation. Allele origin: germline. Affected: yes.
Comment: Curator: Arleen D. Auerbach. Submitter to LOVD: Arleen D. Auerbach.

Literature cited by the submitters: PubMed 21273304.